The following is an entry in ClinVar:

ClinVar aggregate classification (germline): Likely pathogenic (1 of 4 stars; one submission).

Conditions:
Cohen syndrome (COH1). Also called: PEPPER SYNDROME; Cutis verticis gyrata, retinitis pigmentosa, and sensorineural deafness. Identifiers: Orphanet 193, MedGen C0265223, MONDO:0008999, OMIM 216550.

Submission:

Natera, Inc.
Classification: Likely pathogenic for Cohen syndrome. Last evaluated: 2024-04-03. Review status: criteria provided, single submitter. Criteria: Natera Variant Classification Schema (03/2026). Collection method: clinical testing. Allele origin: germline.
Comment: The c.11528_11532delTACATinsA variant in VPS13B is a frameshift variant predicted to shift the reading frame beginning at codon 3843 and leads to a stop codon 34 codons downstream. This variant is expected to result in nonsense mediated decay, truncation, or a dysfunctional protein product. This variant is rare in the general population with a frequency below the threshold expected for the associated phenotype(s). Given the available evidence, this variant is classified as Likely Pathogenic.

NM_152564.5(VPS13B):c.11453_11457delinsA (p.Leu3818fs)

Gene: VPS13B (vacuolar protein sorting 13 homolog B; plus strand). Cytogenetic location: 8q22.2.
Variant type: Indel.
Coding change: c.11453_11457delinsA on transcript NM_152564.5 (MANE Select); coding-DNA positions 11453 to 11457, TACAT replaced by A.
Protein change: p.Leu3818fs; shifts the reading frame from leucine 3818.
Molecular consequence: frameshift variant.
Genome position (GRCh38, 1-based): chr8:99,870,845-99,870,849, TACAT replaced by A. VCF-style: chr8-99870845-TACAT-A. GRCh37 (hg19) VCF-style: chr8-100883073-TACAT-A.
Other names: c.11528_11532delinsA, p.Leu3843fs (NM_017890.5); short protein forms L3818fs, L3843fs.
Identifiers: ClinVar variation 4815931 (VCV004815931.1).